The following is an entry in ClinVar:

ClinVar aggregate classification (germline): Uncertain significance (1 of 4 stars; one submission).

Conditions:
Arrhythmogenic right ventricular dysplasia 13. Also called: ARRHYTHMOGENIC RIGHT VENTRICULAR CARDIOMYOPATHY 13; Arrhythmogenic right ventricular dysplasia, familial, 13. Identifiers: MedGen C3810138, MONDO:0000908, OMIM 615616.

gnomAD v4.1: 1 of 1,614,072 alleles (0.000062%); highest among the groups gnomAD compares: Non-Finnish European, 0.000085%; no homozygotes.

Submission:

Labcorp Genetics (formerly Invitae), Labcorp
Classification: Uncertain significance for Arrhythmogenic right ventricular dysplasia 13. Last evaluated: 2023-10-13. Review status: criteria provided, single submitter. Criteria: Invitae Variant Classification Sherloc (09022015). Collection method: clinical testing. Allele origin: germline.
Comment: This sequence change replaces cysteine, which is neutral and slightly polar, with phenylalanine, which is neutral and non-polar, at codon 222 of the CTNNA3 protein (p.Cys222Phe). This variant is not present in population databases (gnomAD no frequency). This variant has not been reported in the literature in individuals affected with CTNNA3-related conditions. Advanced modeling of protein sequence and biophysical properties (such as structural, functional, and spatial information, amino acid conservation, physicochemical variation, residue mobility, and thermodynamic stability) performed at Invitae indicates that this missense variant is not expected to disrupt CTNNA3 protein function. Algorithms developed to predict the effect of sequence changes on RNA splicing suggest that this variant may create or strengthen a splice site. In summary, the available evidence is currently insufficient to determine the role of this variant in disease. Therefore, it has been classified as a Variant of Uncertain Significance.

NM_013266.4(CTNNA3):c.665G>T (p.Cys222Phe)

Gene: CTNNA3 (catenin alpha 3; minus strand). Cytogenetic location: 10q21.3.
Variant type: single nucleotide variant.
Coding change: c.665G>T on transcript NM_013266.4 (MANE Select); coding-DNA position 665, G replaced by T.
Protein change: p.Cys222Phe; replaces cysteine 222 with phenylalanine.
Molecular consequence: missense variant.
Genome position (GRCh38, 1-based): chr10:67,219,785, C>A on the plus strand (G>T on the coding strand, the complement: CTNNA3 is on the minus strand). VCF-style: chr10-67219785-C-A. GRCh37 (hg19) VCF-style: chr10-68979543-C-A.
Other names: c.665G>T, p.Cys222Phe (NM_001127384.3); c.701G>T, p.Cys234Phe (NM_001291133.2); short protein forms C234F, C222F.
Identifiers: ClinVar variation 2915151 (VCV002915151.3), dbSNP rs1300493690, ClinGen allele CA377095854.